The following is an entry in ClinVar:

NM_002471.4(MYH6):c.2575G>T (p.Gly859Trp)

Gene: MYH6 (myosin heavy chain 6; minus strand). Cytogenetic location: 14q11.2.
Variant type: single nucleotide variant.
Coding change: c.2575G>T on transcript NM_002471.4 (MANE Select); coding-DNA position 2575, G replaced by T.
Protein change: p.Gly859Trp; replaces glycine 859 with tryptophan.
Molecular consequence: missense variant.
Genome position (GRCh38, 1-based): chr14:23,394,178, C>A on the plus strand (G>T on the coding strand, the complement: MYH6 is on the minus strand). VCF-style: chr14-23394178-C-A. GRCh37 (hg19) VCF-style: chr14-23863387-C-A.
Other names: short protein forms G859W.
Identifiers: ClinVar variation 191718 (VCV000191718.45), dbSNP rs369274077, ClinGen allele CA237363.

ClinVar aggregate classification (germline): Conflicting classifications of pathogenicity. Review status: criteria provided, conflicting classifications (1 of 4 stars). 12 submissions from 12 submitters: Uncertain significance (9); Likely benign (1). 2 of the submissions do not count toward it. Last evaluated 2026-02-10.

Conditions:
MYH6-related disorder. Also called: MYH6-related condition; MYH6-Related Disorders.
Cardiovascular phenotype. Identifiers: MedGen CN230736.
Atrial septal defect 3 (ASD3). Identifiers: Orphanet 1478, MedGen C3279790, MONDO:0013567, OMIM 614089.
Hypertrophic cardiomyopathy 1 (CMH1). Also called: Familial hypertrophic cardiomyopathy 1; MYH7-Related Familial Hypertrophic Cardiomyopathy. Identifiers: MedGen C3495498, MONDO:0008647, OMIM 192600.
Sick sinus syndrome 3, susceptibility to (SSS3). Identifiers: Orphanet 166282, MedGen C3279791, MONDO:0013568, OMIM 614090.
Dilated cardiomyopathy 1EE (CMD1EE). Identifiers: Orphanet 154, MedGen C2750466, MONDO:0013198, OMIM 613252.
Hypertrophic cardiomyopathy 14. Identifiers: MedGen C2750467, MONDO:0013197, OMIM 613251.
Cardiomyopathy (CMYO). Also called: Cardiomyopathies. Identifiers: Orphanet 167848, MedGen C0878544, MONDO:0004994, HP:0001638. Inheritance: Various modes of inheritance.

Allele frequency attached by ClinVar (database versions not stated): TOPMed 0.00003.
gnomAD v4.1: 67 of 1,614,094 alleles (0.0042%); highest among the groups gnomAD compares: Non-Finnish European, 0.0055%; no homozygotes.

Submissions (12):

PreventionGenetics, part of Exact Sciences
Classification: Uncertain significance for MYH6-related condition. Last evaluated: 2026-02-10. Review status: criteria provided, single submitter. Criteria: ACMG Guidelines, 2015. Collection method: clinical testing. Allele origin: germline.
Comment: The MYH6 c.2575G>T variant is predicted to result in the amino acid substitution p.Gly859Trp. This variant has been reported in three individuals with cardiomyopathy (online Supplementary File 2, van Lint et al. 2019; PubMed ID: 30847666) and has also been described in a cohort of sudden death cases (Table S3B, Salfati et al. 2019; PubMed ID: 31847883). This variant is reported in 0.011% of alleles in individuals of European (Non-Finnish) descent in gnomAD. At this time, the clinical significance of this variant is uncertain due to the absence of conclusive functional and genetic evidence.

GeneDx
Classification: Uncertain significance. Last evaluated: 2025-08-15. Review status: criteria provided, single submitter. Criteria: GeneDx Variant Classification Process June 2021. Collection method: clinical testing. Allele origin: germline. Affected: yes.
Comment: In silico analysis suggests that this missense variant does not alter protein structure/function; This variant is associated with the following publications: (PMID: 30847666, 31847883, 33874732, 23861362)

Labcorp Genetics (formerly Invitae), Labcorp
Classification: Uncertain significance for Hypertrophic cardiomyopathy 14. Last evaluated: 2025-05-26. Review status: criteria provided, single submitter. Criteria: Invitae Variant Classification Sherloc (09022015). Collection method: clinical testing. Allele origin: germline.
Comment: This sequence change replaces glycine, which is neutral and non-polar, with tryptophan, which is neutral and slightly polar, at codon 859 of the MYH6 protein (p.Gly859Trp). This variant is present in population databases (rs369274077, gnomAD 0.01%). This missense change has been observed in individual(s) with dilated cardiomyopathy (PMID: 30847666). ClinVar contains an entry for this variant (Variation ID: 191718). Invitae Evidence Modeling of protein sequence and biophysical properties (such as structural, functional, and spatial information, amino acid conservation, physicochemical variation, residue mobility, and thermodynamic stability) indicates that this missense variant is not expected to disrupt MYH6 protein function with a negative predictive value of 80%. In summary, the available evidence is currently insufficient to determine the role of this variant in disease. Therefore, it has been classified as a Variant of Uncertain Significance.

Women's Health and Genetics/Laboratory Corporation of America, LabCorp
Classification: Likely benign. Last evaluated: 2025-05-16. Review status: criteria provided, single submitter. Criteria: LabCorp Variant Classification Summary - May 2015. Collection method: clinical testing. Allele origin: germline.
Comment: Variant summary: MYH6 c.2575G>T (p.Gly859Trp) results in a non-conservative amino acid change in the encoded protein sequence. Algorithms developed to predict the effect of missense changes on protein structure and function are either unavailable or do not agree on the potential impact of this missense change. The variant allele was found at a frequency of 4.2e-05 in 1607098 control chromosomes. The observed variant frequency is approximately 1.7-fold of the estimated maximal expected allele frequency for a pathogenic variant in MYH6 causing Cardiomyopathy phenotype (2.5e-05). The variant, c.2575G>T, has been observed in individuals affected with various forms of cardiomyopathy, including hypertrophic-, dilated-, and arrhythmogenic (right ventricular) cardiomyopathy (e.g. van Lint_2019, Salfati_2019, Goli_2021), however in none of these cases was supportive evidence for causality provided. These reports do not provide unequivocal conclusions about association of the variant with Cardiomyopathy. To our knowledge, no experimental evidence demonstrating an impact on protein function has been reported. The following publications have been ascertained in the context of this evaluation (PMID: 30847666, 31847883, 33874732). ClinVar contains an entry for this variant (Variation ID: 191718). Based on the evidence outlined above, the variant was classified as likely benign.

CeGaT Center for Human Genetics Tuebingen
Classification: Uncertain significance. Last evaluated: 2023-09-01. Review status: criteria provided, single submitter. Criteria: CeGaT Center For Human Genetics Tuebingen Variant Classification Criteria Version 2. Collection method: clinical testing. Allele origin: germline. Affected: yes. Observed: 1 variant allele.
Comment: MYH6: PS4:Supporting, BP4

Ambry Genetics
Classification: Uncertain significance for Cardiovascular phenotype. Last evaluated: 2022-11-03. Review status: criteria provided, single submitter. Criteria: Ambry Variant Classification Scheme 2023. Collection method: clinical testing. Allele origin: germline.
Comment: The p.G859W variant (also known as c.2575G>T), located in coding exon 19 of the MYH6 gene, results from a G to T substitution at nucleotide position 2575. The glycine at codon 859 is replaced by tryptophan, an amino acid with highly dissimilar properties. This variant has been detected in individuals tested for hypertrophic and dilated cardiomyopathy and has co-occurred with a variant in the SOS1 gene in a sudden death case (van Lint FHM et al. Neth Heart J. 2019 Jun;27(6):304-309; Salfati EL et al. Genome Med. 2019 12;11(1):83). This alteration has also been reported as a secondary cardiac variant in an exome cohort (Ng D et al. Circ Cardiovasc Genet, 2013 Aug;6:337-46). This amino acid position is not well conserved in available vertebrate species. In addition, this alteration is predicted to be tolerated by in silico analysis. Since supporting evidence is limited at this time, the clinical significance of this alteration remains unclear.

Fulgent Genetics
Classification: Uncertain significance for Hypertrophic cardiomyopathy 1; Hypertrophic cardiomyopathy 14; Dilated cardiomyopathy 1EE; Atrial septal defect 3; Sick sinus syndrome 3, susceptibility to. Last evaluated: 2021-09-07. Review status: criteria provided, single submitter. Criteria: ACMG Guidelines, 2015. Collection method: clinical testing. Allele origin: unknown.

Blueprint Genetics
Classification: Uncertain significance. Last evaluated: 2019-01-16. Review status: criteria provided, single submitter. Criteria: ACMG Guidelines, 2015. Collection method: clinical testing. Allele origin: germline.

CHEO Genetics Diagnostic Laboratory, Children's Hospital of Eastern Ontario
Classification: Uncertain significance for Cardiomyopathy. Last evaluated: 2017-12-20. Review status: criteria provided, single submitter. Criteria: ACMG Guidelines, 2015. Collection method: clinical testing. Allele origin: germline.

Biesecker Lab/Clinical Genomics Section, National Institutes of Health
Classification: Uncertain significance. Last evaluated: 2013-06-24. Review status: criteria provided, single submitter. Criteria: Ng et al. (Circ Cardiovasc Genet. 2013). Collection method: research. Allele origin: unknown. Observed: 1 variant allele. Study: ClinSeq.
Comment: The study set was not selected for affection status in relation to any cancer. Pathogenicity categories were based on literature curation. See Pubmed ID:23861362 for details.

Medical sequencing

Clinical Genetics DNA and cytogenetics Diagnostics Lab, Erasmus MC, Erasmus Medical Center
Classification: Uncertain significance. Review status: no assertion criteria provided. Collection method: clinical testing. Allele origin: germline. Affected: yes. Study: VKGL Data-share Consensus. Not counted in ClinVar's aggregate classification.

Clinical Genetics, Academic Medical Center
Classification: Uncertain significance. Review status: no assertion criteria provided. Collection method: clinical testing. Allele origin: germline. Affected: yes. Study: VKGL Data-share Consensus. Not counted in ClinVar's aggregate classification.

Literature cited by the submitters: PubMed 30847666 (cited by 3 submitters); PubMed 31847883 (cited by Women's Health and Genetics/Laboratory Corporation of America, LabCorp and Ambry Genetics); PubMed 33874732 (cited by Women's Health and Genetics/Laboratory Corporation of America, LabCorp); PubMed 23861362 (cited by Ambry Genetics).